The following is an entry in ClinVar:

NM_001009999.3(KDM1A):c.58G>C (p.Gly20Arg)

Gene: KDM1A (lysine demethylase 1A; plus strand). Cytogenetic location: 1p36.12.
Variant type: single nucleotide variant.
Coding change: c.58G>C on transcript NM_001009999.3 (MANE Select); coding-DNA position 58, G replaced by C.
Protein change: p.Gly20Arg; replaces glycine 20 with arginine.
Molecular consequence: missense variant.
Genome position (GRCh38, 1-based): chr1:23,019,654, G>C. VCF-style: chr1-23019654-G-C. GRCh37 (hg19) VCF-style: chr1-23346147-G-C.
Other names: c.58G>C, p.Gly20Arg (NM_001363654.2, NM_001410762.1, NM_001410763.1 and 1 more transcripts); short protein forms G20R.
Identifiers: ClinVar variation 4042117 (VCV004042117.1).

ClinVar aggregate classification (germline): Uncertain significance (1 of 4 stars; one submission).

Conditions:
Inborn genetic diseases. Identifiers: MedGen C0950123, MeSH D030342.

gnomAD v4.1: 3 of 1,407,852 alleles (0.00021%); highest among the groups gnomAD compares: South Asian, 0.0015%; no homozygotes.

Submission:

Ambry Genetics
Classification: Uncertain significance for Inborn genetic diseases. Last evaluated: 2025-04-24. Review status: criteria provided, single submitter. Criteria: Ambry Variant Classification Scheme 2023. Collection method: clinical testing. Allele origin: germline.
Comment: The p.G20R variant (also known as c.58G>C), located in coding exon 1 of the KDM1A gene, results from a G to C substitution at nucleotide position 58. The glycine at codon 20 is replaced by arginine, an amino acid with dissimilar properties. This amino acid position is conserved. In addition, this alteration is predicted to be tolerated by in silico analysis. Based on the available evidence, the clinical significance of this variant remains unclear.